The following is an entry in ClinVar:

ClinVar aggregate classification (germline): Benign. Review status: criteria provided, multiple submitters, no conflicts (2 of 4 stars). 7 submissions from 7 submitters: Benign (6). 1 of the submissions does not count toward it. Last evaluated 2026-02-04.

Conditions:
Methylmalonic acidemia with homocystinuria, type cblX (MAHCX). Also called: INTELLECTUAL DEVELOPMENTAL DISORDER, X-LINKED 3. Identifiers: Orphanet 369962, MedGen C0796208, MONDO:0010657, OMIM 309541.

Allele frequency attached by ClinVar (database versions not stated): gnomAD exomes 0.18267 and 0.32113; ESP Exome Variant Server 0.11924; gnomAD 0.16009 and 0.18020; TOPMed 0.19970; 1000 Genomes Project 30x 0.37586; 1000 Genomes Project 0.38384; ExAC 0.40646.
gnomAD v4.1: 217,260 of 1,178,047 alleles (18%); highest among the groups gnomAD compares: East Asian, 74%; 21,618 homozygotes.

Submissions (7):

Labcorp Genetics (formerly Invitae), Labcorp
Classification: Benign for Methylmalonic acidemia with homocystinuria, type cblX. Last evaluated: 2026-02-04. Review status: criteria provided, single submitter. Criteria: Invitae Variant Classification Sherloc (09022015). Collection method: clinical testing. Allele origin: germline.

Women's Health and Genetics/Laboratory Corporation of America, LabCorp
Classification: Benign. Last evaluated: 2025-11-14. Review status: criteria provided, single submitter. Criteria: LabCorp Variant Classification Summary - May 2015. Collection method: clinical testing. Allele origin: germline.

Mayo Clinic Laboratories, Mayo Clinic
Classification: Benign. Last evaluated: 2021-11-19. Review status: criteria provided, single submitter. Criteria: ACMG Guidelines, 2015. Collection method: clinical testing. Allele origin: germline. Observed: 228 variant alleles.

Genome-Nilou Lab
Classification: Benign for Methylmalonic acidemia with homocystinuria, type cblX. Last evaluated: 2021-08-10. Review status: criteria provided, single submitter. Criteria: ACMG Guidelines, 2015. Collection method: clinical testing. Allele origin: germline. Affected: no.

GeneDx
Classification: Benign. Last evaluated: 2015-12-02. Review status: criteria provided, single submitter. Criteria: GeneDx Variant Classification (06012015). Collection method: clinical testing. Allele origin: germline. Affected: yes.
Comment: This variant is considered likely benign or benign based on one or more of the following criteria: it is a conservative change, it occurs at a poorly conserved position in the protein, it is predicted to be benign by multiple in silico algorithms, and/or has population frequency not consistent with disease.

Breakthrough Genomics
Classification: Benign. Review status: criteria provided, single submitter. Criteria: ACMG Guidelines, 2015. Collection method: not provided. Allele origin: germline. Inheritance: X-linked inheritance. Affected: yes.

Genetic Services Laboratory, University of Chicago
Classification: Likely benign for AllHighlyPenetrant. Review status: no assertion criteria provided. Collection method: clinical testing. Allele origin: germline. Inheritance: X-linked inheritance. Not counted in ClinVar's aggregate classification.
Comment: Likely benign based on allele frequency in 1000 Genomes Project or ESP global frequency and its presence in a patient with a rare or unrelated disease phenotype. NOT Sanger confirmed.

NM_005334.3(HCFC1):c.4542G>T (p.Leu1514=)

Gene: HCFC1 (host cell factor C1; minus strand). Cytogenetic location: Xq28.
Variant type: single nucleotide variant.
Coding change: c.4542G>T on transcript NM_005334.3 (MANE Select); coding-DNA position 4542, G replaced by T.
Protein change: p.Leu1514=; no amino-acid change (leucine 1514 retained).
Molecular consequence: synonymous variant.
Genome position (GRCh38, 1-based): chrX:153,952,914, C>A on the plus strand (G>T on the coding strand, the complement: HCFC1 is on the minus strand). VCF-style: chrX-153952914-C-A. GRCh37 (hg19) VCF-style: chrX-153218365-C-A.
Other names: p.Leu1514=.
Identifiers: ClinVar variation 129222 (VCV000129222.19), dbSNP rs3027878, ClinGen allele CA153074.